The following is an entry in ClinVar:

NM_182961.4(SYNE1):c.12368T>C (p.Val4123Ala)

Gene: SYNE1 (spectrin repeat containing nuclear envelope protein 1; minus strand). Cytogenetic location: 6q25.2.
Variant type: single nucleotide variant.
Coding change: c.12368T>C on transcript NM_182961.4 (MANE Select); coding-DNA position 12368, T replaced by C.
Protein change: p.Val4123Ala; replaces valine 4123 with alanine.
Molecular consequence: missense variant.
Genome position (GRCh38, 1-based): chr6:152,337,001, A>G on the plus strand (T>C on the coding strand, the complement: SYNE1 is on the minus strand). VCF-style: chr6-152337001-A-G. GRCh37 (hg19) VCF-style: chr6-152658136-A-G.
Other names: c.12155T>C, p.Val4052Ala (NM_033071.5); short protein forms V4052A, V4123A.
Identifiers: ClinVar variation 3339942 (VCV003339942.3).
Genomic context (GRCh38, chr6:152,337,001, plus strand): 5'-CAGAGCTCAGACTTCAGGTGCTTGATCTCTTCCCAGCCCTGAGTTAAGTTCTGGGCCTGG[A>G]CAAGCTTTTGTTCAATCTTGAGAAAACACAGAGATAAAAGTTAGCAACCATACATGGAAA-3'
Protein context (NP_892006.3, residues 4113-4133): QTEQTIEQKL[Val4123Ala]QAQNLTQGWE

ClinVar aggregate classification (germline): Uncertain significance. Review status: criteria provided, multiple submitters, no conflicts (2 of 4 stars). 2 submissions from 2 submitters: Uncertain significance (2). Last evaluated 2024-11-27.

Conditions:
Emery-Dreifuss muscular dystrophy 4, autosomal dominant (EDMD4). Also called: EMERY-DREIFUSS MUSCULAR DYSTROPHY 4 WITH VARIABLE FEATURES. Identifiers: Orphanet 261, MedGen C2751807, MONDO:0013071, OMIM 612998.
Autosomal recessive ataxia, Beauce type. Also called: SYNE1 Deficiency; Spinocerebellar ataxia, autosomal recessive 8; ATAXIA, RECESSIVE, OF BEAUCE; SYNE1-Related Autosomal Recessive Cerebellar Ataxia. Identifiers: Orphanet 88644, MedGen C1853116, MONDO:0012549, OMIM 610743.

gnomAD v4.1: 9 of 1,613,712 alleles (0.00056%); highest among the groups gnomAD compares: African/African-American, 0.011%; no homozygotes.

Submissions (2):

Labcorp Genetics (formerly Invitae), Labcorp
Classification: Uncertain significance for Emery-Dreifuss muscular dystrophy 4, autosomal dominant; Autosomal recessive ataxia, Beauce type. Last evaluated: 2024-11-27. Review status: criteria provided, single submitter. Criteria: Invitae Variant Classification Sherloc (09022015). Collection method: clinical testing. Allele origin: germline.
Comment: This sequence change replaces valine, which is neutral and non-polar, with alanine, which is neutral and non-polar, at codon 4052 of the SYNE1 protein (p.Val4052Ala). This variant is present in population databases (rs139940366, gnomAD 0.01%). This variant has not been reported in the literature in individuals affected with SYNE1-related conditions. An algorithm developed to predict the effect of missense changes on protein structure and function outputs the following: PolyPhen-2: "Benign". The alanine amino acid residue is found in multiple mammalian species, which suggests that this missense change does not adversely affect protein function. In summary, the available evidence is currently insufficient to determine the role of this variant in disease. Therefore, it has been classified as a Variant of Uncertain Significance.

Women's Health and Genetics/Laboratory Corporation of America, LabCorp
Classification: Uncertain significance. Last evaluated: 2024-06-20. Review status: criteria provided, single submitter. Criteria: LabCorp Variant Classification Summary - May 2015. Collection method: clinical testing. Allele origin: germline.
Comment: Variant summary: SYNE1 c.12155T>C (p.Val4052Ala) results in a non-conservative amino acid change in the encoded protein sequence. Four of five in-silico tools predict a benign effect of the variant on protein function. The variant allele was found at a frequency of 8e-06 in 250818 control chromosomes (gnomAD). The available data on variant occurrences in the general population are insufficient to allow any conclusion about variant significance. To our knowledge, no occurrence of c.12155T>C in individuals affected with SYNE1-Related Disorders and no experimental evidence demonstrating its impact on protein function have been reported. No submitters have cited clinical-significance assessments for this variant to ClinVar. Based on the evidence outlined above, the variant was classified as uncertain significance.